The following is an entry in ClinVar:

NM_000548.5(TSC2):c.572T>A (p.Leu191His)

Gene: TSC2 (TSC complex subunit 2; plus strand). Cytogenetic location: 16p13.3.
Variant type: single nucleotide variant.
Coding change: c.572T>A on transcript NM_000548.5 (MANE Select); coding-DNA position 572, T replaced by A.
Protein change: p.Leu191His; replaces leucine 191 with histidine.
Molecular consequence: missense variant. On other transcripts: 5 prime UTR variant (13), non-coding transcript variant (5), intron variant (6).
Genome position (GRCh38, 1-based): chr16:2,055,492, T>A. VCF-style: chr16-2055492-T-A. GRCh37 (hg19) VCF-style: chr16-2105493-T-A.
Other names: c.572T>A, p.Leu191His (NM_001406673.1, NM_021055.3, NM_001077183.3 and 8 more transcripts); c.425T>A, p.Leu142His (NM_001406675.1, NM_001406676.1, NM_001406679.1 and 1 more transcripts); c.515T>A, p.Leu172His (NM_001406677.1); c.461T>A, p.Leu154His (NM_001406678.1, NM_001318827.2, NM_001406670.1); c.-245T>A (NM_001406680.1, NM_001406683.1, NM_001406687.1); c.110T>A, p.Leu37His (NM_001406681.1); c.-860T>A (NM_001406689.1, NM_001406690.1, NM_001406691.1 and 2 more transcripts); c.-1076T>A (NM_001406693.1); and 6 more; short protein forms L142H, L191H, L37H, L154H, L202H, L172H, L221H.
Identifiers: ClinVar variation 2720316 (VCV002720316.3), dbSNP rs2151061041, ClinGen allele CA394309697.

ClinVar aggregate classification (germline): Uncertain significance (1 of 4 stars; one submission).

Conditions:
Tuberous sclerosis 2 (TSC2). Identifiers: Orphanet 805, MedGen C1860707, MONDO:0013199, OMIM 613254.

Submission:

Labcorp Genetics (formerly Invitae), Labcorp
Classification: Uncertain significance for Tuberous sclerosis 2. Last evaluated: 2023-06-21. Review status: criteria provided, single submitter. Criteria: Invitae Variant Classification Sherloc (09022015). Collection method: clinical testing. Allele origin: germline.
Comment: In summary, the available evidence is currently insufficient to determine the role of this variant in disease. Therefore, it has been classified as a Variant of Uncertain Significance. Advanced modeling of protein sequence and biophysical properties (such as structural, functional, and spatial information, amino acid conservation, physicochemical variation, residue mobility, and thermodynamic stability) performed at Invitae indicates that this missense variant is not expected to disrupt TSC2 protein function. This variant has not been reported in the literature in individuals affected with TSC2-related conditions. This variant is not present in population databases (gnomAD no frequency). This sequence change replaces leucine, which is neutral and non-polar, with histidine, which is basic and polar, at codon 191 of the TSC2 protein (p.Leu191His).